The following is an entry in ClinVar:

ClinVar aggregate classification (germline): Uncertain significance (1 of 4 stars; one submission).

Conditions:
Citrin deficiency. Identifiers: Orphanet 247582, MedGen C1997910, MONDO:0016602.

gnomAD v4.1: 1 of 1,614,204 alleles (0.000062%); highest among the groups gnomAD compares: Non-Finnish European, 0.000085%; no homozygotes.

Submission:

Labcorp Genetics (formerly Invitae), Labcorp
Classification: Uncertain significance for Citrin deficiency. Last evaluated: 2024-07-16. Review status: criteria provided, single submitter. Criteria: Invitae Variant Classification Sherloc (09022015). Collection method: clinical testing. Allele origin: germline.
Comment: This sequence change replaces proline, which is neutral and non-polar, with histidine, which is basic and polar, at codon 630 of the SLC25A13 protein (p.Pro630His). This variant is not present in population databases (gnomAD no frequency). This variant has not been reported in the literature in individuals affected with SLC25A13-related conditions. Advanced modeling of protein sequence and biophysical properties (such as structural, functional, and spatial information, amino acid conservation, physicochemical variation, residue mobility, and thermodynamic stability) performed at Invitae indicates that this missense variant is not expected to disrupt SLC25A13 protein function with a negative predictive value of 80%. In summary, the available evidence is currently insufficient to determine the role of this variant in disease. Therefore, it has been classified as a Variant of Uncertain Significance.

NM_014251.3(SLC25A13):c.1889C>A (p.Pro630His)

Gene: SLC25A13 (solute carrier family 25 member 13; minus strand). Cytogenetic location: 7q21.3.
Variant type: single nucleotide variant.
Coding change: c.1889C>A on transcript NM_014251.3 (MANE Select); coding-DNA position 1889, C replaced by A.
Protein change: p.Pro630His; replaces proline 630 with histidine.
Molecular consequence: missense variant. On other transcripts: non-coding transcript variant (1).
Genome position (GRCh38, 1-based): chr7:96,121,330, G>T on the plus strand (C>A on the coding strand, the complement: SLC25A13 is on the minus strand). VCF-style: chr7-96121330-G-T. GRCh37 (hg19) VCF-style: chr7-95750642-G-T.
Other names: c.1892C>A, p.Pro631His (NM_001160210.2); short protein forms P631H, P630H.
Identifiers: ClinVar variation 3675494 (VCV003675494.2).